The following is an entry in ClinVar:

NM_001358530.2(MOCS1):c.367del (p.Arg123fs)

Gene: MOCS1 (molybdenum cofactor synthesis 1; minus strand). Cytogenetic location: 6p21.2.
Variant type: Deletion.
Coding change: c.367del on transcript NM_001358530.2 (MANE Select); coding-DNA position 367, one base deleted (C; older notation c.367delC).
Protein change: p.Arg123fs; shifts the reading frame from arginine 123.
Molecular consequence: frameshift variant. On other transcripts: non-coding transcript variant (1).
Genome position (GRCh38, 1-based): chr6:39,925,729, G deleted on the plus strand (C on the coding strand, the reverse complement: MOCS1 is on the minus strand); the first of 2 consecutive G bases (chr6:39,925,729-39,925,730); deleting either gives the same sequence. VCF-style (leftmost placement, unchanged base first): chr6-39925728-CG-C. GRCh37 (hg19) VCF-style: chr6-39893472-CG-C.
Other names: c.367del, p.Arg123fs (NM_001075098.4, NM_001358529.2, NM_005943.6); c.106del, p.Arg36fs (NM_001358531.2, NM_001358533.2, NM_001358534.2); c.367delC (NM_005943.6); short protein forms R123fs, R36fs.
Identifiers: ClinVar variation 3629666 (VCV003629666.1).
Genomic context (GRCh38, chr6:39,925,728, plus strand): 5'-TCCAACTCACCCACAATGTCCACCACGTCCGGCCGGATAAGCGGCTCTCCACCTGTGAGC[CG>C]GATCTTGTCGATGCCTTCCTTCACAAAGAGCCGGGCGAGGGTCAGGATCTCCTCTGTGGT-3'

ClinVar aggregate classification (germline): Pathogenic (1 of 4 stars; one submission).

Conditions:
Sulfite oxidase deficiency due to molybdenum cofactor deficiency type A. Also called: Molybdenum cofactor deficiency, complementation group A; Molybdenum Cofactor Deficiency A. Identifiers: Orphanet 308386, Orphanet 833, MedGen C1854988, MONDO:0009643, OMIM 252150.

Submission:

Women's Health and Genetics/Laboratory Corporation of America, LabCorp
Classification: Pathogenic for Sulfite oxidase deficiency due to molybdenum cofactor deficiency type A. Last evaluated: 2024-11-13. Review status: criteria provided, single submitter. Criteria: LabCorp Variant Classification Summary - May 2015. Collection method: clinical testing. Allele origin: germline.
Comment: Variant summary: MOCS1 c.367delC (p.Arg123GlyfsX26) results in a premature termination codon, predicted to cause a truncation of the encoded protein or absence of the protein due to nonsense mediated decay, which are commonly known mechanisms for disease. The variant was absent in 249832 control chromosomes. To our knowledge, no occurrence of c.367delC in individuals affected with Sulfite Oxidase Deficiency Due To Molybdenum Cofactor Deficiency Type A and no experimental evidence demonstrating its impact on protein function have been reported. No submitters have cited clinical-significance assessments for this variant to ClinVar. Based on the evidence outlined above, the variant was classified as pathogenic.